The following is an entry in ClinVar:

ClinVar aggregate classification (germline): Uncertain significance (1 of 4 stars; one submission).

Allele frequency attached by ClinVar (database versions not stated): gnomAD exomes below 0.00001; TOPMed below 0.00001.
gnomAD v4.1: 3 of 1,584,868 alleles (0.00019%); highest among the groups gnomAD compares: South Asian, 0.0012%; no homozygotes.

Submission:

Labcorp Genetics (formerly Invitae), Labcorp
Classification: Uncertain significance. Last evaluated: 2021-12-02. Review status: criteria provided, single submitter. Criteria: Invitae Variant Classification Sherloc (09022015). Collection method: clinical testing. Allele origin: germline.
Comment: The frequency data for this variant in the population databases is considered unreliable, as metrics indicate poor data quality at this position in the gnomAD database. In summary, the available evidence is currently insufficient to determine the role of this variant in disease. Therefore, it has been classified as a Variant of Uncertain Significance. Algorithms developed to predict the effect of missense changes on protein structure and function are either unavailable or do not agree on the potential impact of this missense change (SIFT: "Deleterious"; PolyPhen-2: "Probably Damaging"; Align-GVGD: "Class C0"). This variant has not been reported in the literature in individuals affected with CAD-related conditions. This sequence change replaces valine, which is neutral and non-polar, with alanine, which is neutral and non-polar, at codon 88 of the CAD protein (p.Val88Ala).

NM_004341.5(CAD):c.263T>C (p.Val88Ala)

Gene: CAD (carbamoyl-phosphate synthetase 2, aspartate transcarbamylase, and dihydroorotase; plus strand). Cytogenetic location: 2p23.3.
Variant type: single nucleotide variant.
Coding change: c.263T>C on transcript NM_004341.5 (MANE Select); coding-DNA position 263, T replaced by C.
Protein change: p.Val88Ala; replaces valine 88 with alanine.
Molecular consequence: missense variant.
Genome position (GRCh38, 1-based): chr2:27,221,258, T>C. VCF-style: chr2-27221258-T-C. GRCh37 (hg19) VCF-style: chr2-27444126-T-C.
Other names: c.263T>C, p.Val88Ala (NM_001306079.2); short protein forms V88A.
Identifiers: ClinVar variation 1390749 (VCV001390749.6), dbSNP rs1470844323, ClinGen allele CA346197594.